The following is an entry in ClinVar:

NM_007294.4(BRCA1):c.4072G>A (p.Glu1358Lys)

Genes: BRCA1 (BRCA1 DNA repair associated; minus strand), LOC126862571 (BRD4-independent group 4 enhancer GRCh37_chr17:41243136-41244335; plus strand). Cytogenetic location: 17q21.31.
Variant type: single nucleotide variant.
Coding change: c.4072G>A on transcript NM_007294.4 (MANE Select); coding-DNA position 4072, G replaced by A.
Protein change: p.Glu1358Lys; replaces glutamic acid 1358 with lysine.
Molecular consequence: missense variant. On other transcripts: intron variant (135).
Genome position (GRCh38, 1-based): chr17:43,091,459, C>T on the plus strand (G>A on the coding strand, the complement: BRCA1 is on the minus strand). VCF-style: chr17-43091459-C-T. GRCh37 (hg19) VCF-style: chr17-41243476-C-T.
Other names: c.3736G>A, p.Glu1246Lys (NM_001407958.1, NM_001407954.1, NM_001407955.1 and 1 more transcripts); c.3691G>A, p.Glu1231Lys (NM_001407959.1, NM_001407960.1, NM_001407963.1); c.3688G>A, p.Glu1230Lys (NM_001407962.1); c.3928G>A, p.Glu1310Lys (NM_001407964.1, NM_001407740.1, NM_001407741.1 and 20 more transcripts); c.3568G>A, p.Glu1190Lys (NM_001407965.1); c.3184G>A, p.Glu1062Lys (NM_001407966.1, NM_001407967.1); c.1468G>A, p.Glu490Lys (NM_001407968.1, NM_001407969.1); c.3931G>A, p.Glu1311Lys (NM_007297.4, NM_001407692.1, NM_001407694.1 and 29 more transcripts); and 41 more; short protein forms E1358K, E1311K, E1062K, E1190K, E1230K, E1270K, E1290K, E1291K.
Identifiers: ClinVar variation 55096 (VCV000055096.7), dbSNP rs397509136, ClinGen allele CA002601.

ClinVar aggregate classification (germline): Conflicting classifications of pathogenicity. Review status: criteria provided, conflicting classifications (1 of 4 stars). 3 submissions from 3 submitters: Uncertain significance (1); Likely benign (1). 1 of the submissions does not count toward it. Last evaluated 2023-03-23.

Conditions:
Hereditary cancer-predisposing syndrome. Also called: Neoplastic Syndromes, Hereditary; Hereditary neoplastic syndrome; Tumor predisposition; Hereditary Cancer Syndrome. Identifiers: Orphanet 140162, MedGen C0027672, MeSH D009386, MONDO:0015356.
Familial cancer of breast. Also called: BREAST CANCER, FAMILIAL; Hereditary breast cancer; hereditary breast carcinoma. Identifiers: Orphanet 227535, MedGen C0346153, MONDO:0016419, OMIM 114480. Disease mechanism: loss of function.

Submissions (3):

University of Washington Department of Laboratory Medicine, University of Washington
Classification: Likely benign for Hereditary cancer-predisposing syndrome. Last evaluated: 2023-03-23. Review status: criteria provided, single submitter. Criteria: Dines et al. (Genet Med. 2020). Collection method: curation. Allele origin: germline.
Comment: Missense variant in a coldspot region where missense variants are very unlikely to be pathogenic (PMID:31911673).

BRCA1 coldspot (exon 11 using historical exon numbering). Reclassification based on statistical prior probability

Color Diagnostics, LLC DBA Color Health
Classification: Uncertain significance for Hereditary cancer-predisposing syndrome. Last evaluated: 2019-04-10. Review status: criteria provided, single submitter. Criteria: ACMG Guidelines, 2015. Collection method: clinical testing. Allele origin: germline.

ClinVar Staff, National Center for Biotechnology Information (NCBI)
No classification provided. Condition: Familial cancer of breast. Review status: no classification provided. Collection method: literature only. Allele origin: germline. Affected: yes. Not counted in ClinVar's aggregate classification.

Literature cited by the submitters: PubMed 18645608 (cited by ClinVar Staff, National Center for Biotechnology Information (NCBI)).